The following is an entry in ClinVar:

ClinVar aggregate classification (germline): Pathogenic (1 of 4 stars; one submission).

Conditions:
Muscular dystrophy-dystroglycanopathy type B6 (MDDGB6). Also called: MUSCULAR DYSTROPHY-DYSTROGLYCANOPATHY (CONGENITAL WITH IMPAIRED INTELLECTUAL DEVELOPMENT), TYPE B, 6; MUSCULAR DYSTROPHY, CONGENITAL, LARGE-RELATED; MUSCULAR DYSTROPHY, CONGENITAL, TYPE 1D. Identifiers: MedGen C1837229, MONDO:0012138, OMIM 608840.

Submission:

Labcorp Genetics (formerly Invitae), Labcorp
Classification: Pathogenic for Muscular dystrophy-dystroglycanopathy type B6. Last evaluated: 2024-01-18. Review status: criteria provided, single submitter. Criteria: Invitae Variant Classification Sherloc (09022015). Collection method: clinical testing. Allele origin: germline.
Comment: This variant is a gross deletion of the genomic region encompassing exon(s) 7 of the LARGE1 gene. This deletion is out-of-frame, and is expected to create a premature termination codon and result in an absent or disrupted protein product. Loss-of-function variants in LARGE1 are known to be pathogenic (PMID: 12966029, 17878207). A similar copy number variant has been observed in individual(s) with muscular dystrophy-dystroglycanopathy (PMID: 21727005, 24709677). For these reasons, this variant has been classified as Pathogenic.

Literature cited by the submitters: PubMed 12966029; PubMed 17878207; PubMed 21727005; PubMed 24709677.

NC_000022.10:g.(?_33960814)_(33961025_?)del

Gene: LARGE1 (LARGE xylosyl- and glucuronyltransferase 1; minus strand). Cytogenetic location: 22q12.3.
Variant type: Deletion.
Identifiers: ClinVar variation 1456020 (VCV001456020.7).